The following is an entry in ClinVar:

ClinVar aggregate classification (germline): Uncertain significance (1 of 4 stars; one submission).

Conditions:
Dilated cardiomyopathy 1HH (CMD1HH). Identifiers: Orphanet 154, MedGen C3151293, MONDO:0013479, OMIM 613881.
Myofibrillar myopathy 6. Identifiers: Orphanet 199340, MedGen C2751831, MONDO:0013061, OMIM 612954.

Submission:

Labcorp Genetics (formerly Invitae), Labcorp
Classification: Uncertain significance for Dilated cardiomyopathy 1HH; Myofibrillar myopathy 6. Last evaluated: 2022-09-16. Review status: criteria provided, single submitter. Criteria: Invitae Variant Classification Sherloc (09022015). Collection method: clinical testing. Allele origin: germline.
Comment: In summary, the available evidence is currently insufficient to determine the role of this variant in disease. Therefore, it has been classified as a Variant of Uncertain Significance. Advanced modeling of protein sequence and biophysical properties (such as structural, functional, and spatial information, amino acid conservation, physicochemical variation, residue mobility, and thermodynamic stability) performed at Invitae indicates that this missense variant is not expected to disrupt BAG3 protein function. This variant has not been reported in the literature in individuals affected with BAG3-related conditions. This variant is not present in population databases (gnomAD no frequency). This sequence change replaces proline, which is neutral and non-polar, with arginine, which is basic and polar, at codon 562 of the BAG3 protein (p.Pro562Arg).

NM_004281.4(BAG3):c.1685C>G (p.Pro562Arg)

Gene: BAG3 (BAG cochaperone 3; plus strand). Cytogenetic location: 10q26.11.
Variant type: single nucleotide variant.
Coding change: c.1685C>G on transcript NM_004281.4 (MANE Select); coding-DNA position 1685, C replaced by G.
Protein change: p.Pro562Arg; replaces proline 562 with arginine.
Molecular consequence: missense variant.
Genome position (GRCh38, 1-based): chr10:119,677,239, C>G. VCF-style: chr10-119677239-C-G. GRCh37 (hg19) VCF-style: chr10-121436751-C-G.
Other names: short protein forms P562R.
Identifiers: ClinVar variation 1719560 (VCV001719560.5), dbSNP rs1188545828, ClinGen allele CA378297851.